The following is an entry in ClinVar:

NM_020750.3(XPO5):c.1935G>T (p.Lys645Asn)

Genes: POLR1C (RNA polymerase I and III subunit C; plus strand), XPO5 (exportin 5; minus strand). Cytogenetic location: 6p21.1.
Variant type: single nucleotide variant.
Coding change: c.1935G>T on transcript NM_020750.3 (MANE Select); coding-DNA position 1935, G replaced by T.
Protein change: p.Lys645Asn; replaces lysine 645 with asparagine.
Molecular consequence: missense variant. On other transcripts: non-coding transcript variant (1), intron variant (1).
Genome position (GRCh38, 1-based): chr6:43,548,386, C>A on the plus strand (G>T on the coding strand, the complement: XPO5 is on the minus strand). VCF-style: chr6-43548386-C-A. GRCh37 (hg19) VCF-style: chr6-43516123-C-A.
Other names: c.923-2582C>A (NM_001363658.2); short protein forms K645N.
Identifiers: ClinVar variation 4734007 (VCV004734007.1).

ClinVar aggregate classification (germline): Uncertain significance (1 of 4 stars; one submission).

Submission:

Labcorp Genetics (formerly Invitae), Labcorp
Classification: Uncertain significance. Last evaluated: 2025-12-23. Review status: criteria provided, single submitter. Criteria: Invitae Variant Classification Sherloc (09022015). Collection method: clinical testing. Allele origin: germline.
Comment: This sequence change replaces lysine, which is basic and polar, with asparagine, which is neutral and polar, at codon 645 of the XPO5 protein (p.Lys645Asn). This variant is not present in population databases (gnomAD no frequency). This variant has not been reported in the literature in individuals affected with XPO5-related conditions. An algorithm developed to predict the effect of missense changes on protein structure and function (PolyPhen-2) suggests that this variant is likely to be tolerated. In summary, the available evidence is currently insufficient to determine the role of this variant in disease. Therefore, it has been classified as a Variant of Uncertain Significance.